The following is an entry in ClinVar:

NM_000243.3(MEFV):c.224G>A (p.Arg75Gln)

Gene: MEFV (MEFV innate immunity regulator, pyrin; minus strand). Cytogenetic location: 16p13.3.
Variant type: single nucleotide variant.
Coding change: c.224G>A on transcript NM_000243.3 (MANE Select); coding-DNA position 224, G replaced by A.
Protein change: p.Arg75Gln; replaces arginine 75 with glutamine.
Molecular consequence: missense variant.
Genome position (GRCh38, 1-based): chr16:3,256,364, C>T on the plus strand (G>A on the coding strand, the complement: MEFV is on the minus strand). VCF-style: chr16-3256364-C-T. GRCh37 (hg19) VCF-style: chr16-3306364-C-T.
Other names: c.224G>A, p.Arg75Gln (NM_001198536.2); short protein forms R75Q.
Identifiers: ClinVar variation 860477 (VCV000860477.30), dbSNP rs376891162, ClinGen allele CA7860505.

ClinVar aggregate classification (germline): Uncertain significance. Review status: criteria provided, multiple submitters, no conflicts (2 of 4 stars). 3 submissions from 3 submitters: Uncertain significance (2). 1 of the submissions does not count toward it. Last evaluated 2023-04-01.

Conditions:
Familial Mediterranean fever (FMF). Also called: Periodic peritonitis; Benign paroxysmal peritonitis; POLYSEROSITIS, FAMILIAL PAROXYSMAL; POLYSEROSITIS, RECURRENT. Identifiers: Orphanet 342, MedGen C0031069, MONDO:0018088, OMIM 249100. Disease mechanism: gain of function.

Allele frequency attached by ClinVar (database versions not stated): gnomAD 0.00002; gnomAD exomes 0.00002 and 0.00004; TOPMed 0.00002; ExAC 0.00007; ESP Exome Variant Server 0.00008.
gnomAD v4.1: 31 of 1,613,892 alleles (0.0019%); highest among the groups gnomAD compares: African/African-American, 0.0027%; no homozygotes.

Submissions (3):

CeGaT Center for Human Genetics Tuebingen
Classification: Uncertain significance. Last evaluated: 2023-04-01. Review status: criteria provided, single submitter. Criteria: CeGaT Center For Human Genetics Tuebingen Variant Classification Criteria Version 2. Collection method: clinical testing. Allele origin: germline. Affected: yes. Observed: 1 variant allele.
Comment: MEFV: PM2, BP4

Labcorp Genetics (formerly Invitae), Labcorp
Classification: Uncertain significance for Familial Mediterranean fever. Last evaluated: 2022-05-29. Review status: criteria provided, single submitter. Criteria: Invitae Variant Classification Sherloc (09022015). Collection method: clinical testing. Allele origin: germline.
Comment: This sequence change replaces arginine, which is basic and polar, with glutamine, which is neutral and polar, at codon 75 of the MEFV protein (p.Arg75Gln). This variant is present in population databases (rs376891162, gnomAD 0.007%). This missense change has been observed in individual(s) with clinical features of MEFV-related conditions (Invitae). ClinVar contains an entry for this variant (Variation ID: 860477). Algorithms developed to predict the effect of missense changes on protein structure and function output the following: SIFT: "Tolerated"; PolyPhen-2: "Possibly Damaging"; Align-GVGD: "Class C0". The glutamine amino acid residue is found in multiple mammalian species, which suggests that this missense change does not adversely affect protein function. Algorithms developed to predict the effect of sequence changes on RNA splicing suggest that this variant may create or strengthen a splice site. In summary, the available evidence is currently insufficient to determine the role of this variant in disease. Therefore, it has been classified as a Variant of Uncertain Significance.

Natera, Inc.
Classification: Uncertain significance for Familial Mediterranean fever. Last evaluated: 2020-01-17. Review status: no assertion criteria provided. Collection method: clinical testing. Allele origin: germline. Not counted in ClinVar's aggregate classification.